The following is an entry in ClinVar:

ClinVar aggregate classification (germline): Uncertain significance (1 of 4 stars; one submission).

gnomAD v4.1: 1 of 1,614,228 alleles (0.000062%); highest among the groups gnomAD compares: Non-Finnish European, 0.000085%; no homozygotes.

Submission:

Labcorp Genetics (formerly Invitae), Labcorp
Classification: Uncertain significance. Last evaluated: 2025-01-08. Review status: criteria provided, single submitter. Criteria: Invitae Variant Classification Sherloc (09022015). Collection method: clinical testing. Allele origin: germline.
Comment: This sequence change replaces valine, which is neutral and non-polar, with isoleucine, which is neutral and non-polar, at codon 726 of the DSG1 protein (p.Val726Ile). This variant is not present in population databases (gnomAD no frequency). This variant has not been reported in the literature in individuals affected with DSG1-related conditions. Invitae Evidence Modeling of protein sequence and biophysical properties (such as structural, functional, and spatial information, amino acid conservation, physicochemical variation, residue mobility, and thermodynamic stability) indicates that this missense variant is not expected to disrupt DSG1 protein function with a negative predictive value of 80%. Algorithms developed to predict the effect of sequence changes on RNA splicing suggest that this variant may create or strengthen a splice site. In summary, the available evidence is currently insufficient to determine the role of this variant in disease. Therefore, it has been classified as a Variant of Uncertain Significance.

NM_001942.4(DSG1):c.2176G>A (p.Val726Ile)

Genes: DSG1 (desmoglein 1; plus strand), DSG1-AS1 (DSG1 antisense RNA 1; minus strand), LOC126862720 (MED14-independent group 3 enhancer GRCh37_chr18:28933613-28934812; plus strand). Cytogenetic location: 18q12.1.
Variant type: single nucleotide variant.
Coding change: c.2176G>A on transcript NM_001942.4 (MANE Select); coding-DNA position 2176, G replaced by A.
Protein change: p.Val726Ile; replaces valine 726 with isoleucine.
Molecular consequence: missense variant. On other transcripts: non-coding transcript variant (1).
Genome position (GRCh38, 1-based): chr18:31,354,372, G>A. VCF-style: chr18-31354372-G-A. GRCh37 (hg19) VCF-style: chr18-28934335-G-A.
Other names: short protein forms V726I.
Identifiers: ClinVar variation 3700648 (VCV003700648.2).